The following is an entry in ClinVar:

ClinVar aggregate classification (germline): Pathogenic (1 of 4 stars; one submission).

Conditions:
Leber congenital amaurosis 8 (LCA8). Identifiers: Orphanet 65, MedGen C3151202, MONDO:0013453, OMIM 613835.
Retinitis pigmentosa 12 (RP12). Also called: RP WITH OR WITHOUT PRESERVED PARAARTERIOLE RETINAL PIGMENT EPITHELIUM; RETINITIS PIGMENTOSA WITH OR WITHOUT PARAARTERIOLAR PRESERVATION OF RETINAL PIGMENT EPITHELIUM; RP WITH OR WITHOUT PPRPE. Identifiers: Orphanet 791, MedGen C1838647, MONDO:0010818, OMIM 600105.

Submission:

Labcorp Genetics (formerly Invitae), Labcorp
Classification: Pathogenic for Leber congenital amaurosis 8; Retinitis pigmentosa 12. Last evaluated: 2023-11-25. Review status: criteria provided, single submitter. Criteria: Invitae Variant Classification Sherloc (09022015). Collection method: clinical testing. Allele origin: unknown.
Comment: A gross deletion of the genomic region encompassing the full coding sequence of the CRB1 gene has been identified. Loss-of-function variants in CRB1 are known to be pathogenic (PMID: 10508521, 22065545, 23379534, 25412400, 26957898, 28041643, 29391521). The boundaries of this event are unknown as they extend beyond the assayed region for this gene and therefore may encompass additional genes. A similar copy number variant has been observed in individual(s) with CRB1-related conditions (PMID: 17964524). For these reasons, this variant has been classified as Pathogenic.

Literature cited by the submitters: PubMed 10508521; PubMed 22065545; PubMed 23379534; PubMed 25412400; PubMed 26957898; PubMed 28041643; PubMed 29391521; PubMed 17964524.

NC_000001.10:g.(?_197237543)_(197447009_?)del

Gene: CRB1 (crumbs cell polarity complex component 1; plus strand). Cytogenetic location: 1q31.3.
Variant type: Deletion.
Identifiers: ClinVar variation 3247803 (VCV003247803.1).